The following is an entry in ClinVar:

ClinVar aggregate classification (germline): Uncertain significance (1 of 4 stars; one submission).

Conditions:
Mendelian susceptibility to mycobacterial diseases due to complete IL12RB1 deficiency. Also called: Immunodeficiency 30; IL12RB1 DEFICIENCY. Identifiers: Orphanet 319552, MedGen C4013949, MONDO:0013955, OMIM 614891.

Allele frequency attached by ClinVar (database versions not stated): gnomAD exomes below 0.00001 and 0.00001; TOPMed 0.00001.
gnomAD v4.1: 4 of 1,613,400 alleles (0.00025%); highest among the groups gnomAD compares: Admixed American, 0.0017%; no homozygotes.

Submission:

Labcorp Genetics (formerly Invitae), Labcorp
Classification: Uncertain significance for Mendelian susceptibility to mycobacterial diseases due to complete IL12RB1 deficiency. Last evaluated: 2022-07-01. Review status: criteria provided, single submitter. Criteria: Invitae Variant Classification Sherloc (09022015). Collection method: clinical testing. Allele origin: germline.
Comment: This sequence change replaces valine, which is neutral and non-polar, with leucine, which is neutral and non-polar, at codon 520 of the IL12RB1 protein (p.Val520Leu). This variant is present in population databases (no rsID available, gnomAD 0.006%). This variant has not been reported in the literature in individuals affected with IL12RB1-related conditions. ClinVar contains an entry for this variant (Variation ID: 644060). Algorithms developed to predict the effect of missense changes on protein structure and function are either unavailable or do not agree on the potential impact of this missense change (SIFT: "Deleterious"; PolyPhen-2: "Possibly Damaging"; Align-GVGD: "Class C0"). In summary, the available evidence is currently insufficient to determine the role of this variant in disease. Therefore, it has been classified as a Variant of Uncertain Significance.

NM_005535.3(IL12RB1):c.1558G>T (p.Val520Leu)

Gene: IL12RB1 (interleukin 12 receptor subunit beta 1; minus strand). Cytogenetic location: 19p13.11.
Variant type: single nucleotide variant.
Coding change: c.1558G>T on transcript NM_005535.3 (MANE Select); coding-DNA position 1558, G replaced by T.
Protein change: p.Val520Leu; replaces valine 520 with leucine.
Molecular consequence: missense variant.
Genome position (GRCh38, 1-based): chr19:18,063,936, C>A on the plus strand (G>T on the coding strand, the complement: IL12RB1 is on the minus strand). VCF-style: chr19-18063936-C-A. GRCh37 (hg19) VCF-style: chr19-18174746-C-A.
Other names: c.1558G>T, p.Val520Leu (NM_001290023.2); c.1678G>T, p.Val560Leu (NM_001290024.2); short protein forms V520L, V560L.
Identifiers: ClinVar variation 644060 (VCV000644060.6), dbSNP rs917838985, ClinGen allele CA306160911.